The following is an entry in ClinVar:

ClinVar aggregate classification (germline): Uncertain significance. Review status: criteria provided, multiple submitters, no conflicts (2 of 4 stars). 2 submissions from 2 submitters: Uncertain significance (2). Last evaluated 2024-05-19.

Conditions:
Tuberous sclerosis 2 (TSC2). Identifiers: Orphanet 805, MedGen C1860707, MONDO:0013199, OMIM 613254.

Submissions (2):

GeneDx
Classification: Uncertain significance. Last evaluated: 2024-05-19. Review status: criteria provided, single submitter. Criteria: GeneDx Variant Classification Process June 2021. Collection method: clinical testing. Allele origin: germline. Affected: yes.
Comment: Not observed at significant frequency in large population cohorts (gnomAD); In silico analysis indicates that this missense variant does not alter protein structure/function; Has not been previously published as pathogenic or benign to our knowledge

Labcorp Genetics (formerly Invitae), Labcorp
Classification: Uncertain significance for Tuberous sclerosis 2. Last evaluated: 2018-12-19. Review status: criteria provided, single submitter. Criteria: Invitae Variant Classification Sherloc (09022015). Collection method: clinical testing. Allele origin: germline.
Comment: In summary, the available evidence is currently insufficient to determine the role of this variant in disease. Therefore, it has been classified as a Variant of Uncertain Significance. Algorithms developed to predict the effect of missense changes on protein structure and function are either unavailable or do not agree on the potential impact of this missense change (SIFT: "Deleterious"; PolyPhen-2: "Benign"; Align-GVGD: "Class C0"). This variant has not been reported in the literature in individuals with TSC2-related conditions. This variant is not present in population databases (ExAC no frequency). This sequence change replaces aspartic acid with histidine at codon 1246 of the TSC2 protein (p.Asp1246His). The aspartic acid residue is weakly conserved and there is a moderate physicochemical difference between aspartic acid and histidine.

NM_000548.5(TSC2):c.3736G>C (p.Asp1246His)

Gene: TSC2 (TSC complex subunit 2; plus strand). Cytogenetic location: 16p13.3.
Variant type: single nucleotide variant.
Coding change: c.3736G>C on transcript NM_000548.5 (MANE Select); coding-DNA position 3736, G replaced by C.
Protein change: p.Asp1246His; replaces aspartic acid 1246 with histidine.
Molecular consequence: missense variant.
Genome position (GRCh38, 1-based): chr16:2,081,720, G>C. VCF-style: chr16-2081720-G-C. GRCh37 (hg19) VCF-style: chr16-2131721-G-C.
Other names: c.3604G>C, p.Asp1202His (NM_001077183.3, NM_001370404.1); c.3736G>C, p.Asp1246His (NM_001114382.3); c.3496G>C, p.Asp1166His (NM_001318827.2); c.3460G>C, p.Asp1154His (NM_001318829.2); c.3004G>C, p.Asp1002His (NM_001318831.2); c.3637G>C, p.Asp1213His (NM_001318832.2); c.3607G>C, p.Asp1203His (NM_001363528.2, NM_001370405.1, NM_021055.3); short protein forms D1154H, D1166H, D1213H, D1246H, D1002H, D1202H, D1203H.
Identifiers: ClinVar variation 663826 (VCV000663826.9), dbSNP rs1596400382, ClinGen allele CA394292957.